The following is an entry in ClinVar:

ClinVar aggregate classification (germline): Likely benign (0 of 4 stars; one submission).

Conditions:
SLC26A7-related disorder. Also called: SLC26A7-related condition.

Allele frequency attached by ClinVar (database versions not stated): gnomAD exomes 0.00005; ExAC 0.00012; TOPMed 0.00066; ESP Exome Variant Server 0.00031; gnomAD 0.00056; 1000 Genomes Project 0.00060; 1000 Genomes Project 30x 0.00062.
gnomAD v4.1: 160 of 1,604,410 alleles (0.01%); highest among the groups gnomAD compares: African/African-American, 0.2%; no homozygotes.

Submission:

PreventionGenetics, part of Exact Sciences
Classification: Likely benign for SLC26A7-related condition. Last evaluated: 2022-02-18. Review status: no assertion criteria provided. Collection method: clinical testing. Allele origin: germline.
Comment: This variant is classified as likely benign based on ACMG/AMP sequence variant interpretation guidelines (Richards et al. 2015 PMID: 25741868, with internal and published modifications).

NM_052832.4(SLC26A7):c.512C>T (p.Thr171Ile)

Gene: SLC26A7 (solute carrier family 26 member 7; plus strand). Cytogenetic location: 8q21.3.
Variant type: single nucleotide variant.
Coding change: c.512C>T on transcript NM_052832.4 (MANE Select); coding-DNA position 512, C replaced by T.
Protein change: p.Thr171Ile; replaces threonine 171 with isoleucine.
Molecular consequence: missense variant. On other transcripts: 5 prime UTR variant (1).
Genome position (GRCh38, 1-based): chr8:91,318,250, C>T. VCF-style: chr8-91318250-C-T. GRCh37 (hg19) VCF-style: chr8-92330478-C-T.
Other names: c.512C>T, p.Thr171Ile (NM_001282356.2, NM_134266.2); c.-309C>T (NM_001282357.2); short protein forms T171I.
Identifiers: ClinVar variation 3043926 (VCV003043926.2), dbSNP rs149883220, ClinGen allele CA4805189.
Genomic context (GRCh38, chr8:91,318,250, plus strand): 5'-ATCTCACTTCTCCCTTCTCCTCTTAGGTGGCCATGTTTGTGCTGCAACTGGGCAGTGCCA[C>T]ATTTGTGGTCACAGAGCCTGTGATCAGCGCAATGACAACTGGGGCTGCCACCCATGTGGT-3'
Protein context (NP_439897.1, residues 161-181): AMFVLQLGSA[Thr171Ile]FVVTEPVISA